The following is an entry in ClinVar:

ClinVar aggregate classification (germline): Likely benign (0 of 4 stars; one submission).

Conditions:
BCL9-related disorder. Also called: BCL9-related condition.

Allele frequency attached by ClinVar (database versions not stated): TOPMed 0.00109; ExAC 0.00114; gnomAD 0.00125; gnomAD exomes 0.00136; ESP Exome Variant Server 0.00177.

Submission:

PreventionGenetics, part of Exact Sciences
Classification: Likely benign for BCL9-related condition. Last evaluated: 2023-02-28. Review status: no assertion criteria provided. Collection method: clinical testing. Allele origin: germline.
Comment: This variant is classified as likely benign based on ACMG/AMP sequence variant interpretation guidelines (Richards et al. 2015 PMID: 25741868, with internal and published modifications).

NM_004326.4(BCL9):c.337C>T (p.Pro113Ser)

Gene: BCL9 (BCL9 transcription coactivator; plus strand). Cytogenetic location: 1q21.2.
Variant type: single nucleotide variant.
Coding change: c.337C>T on transcript NM_004326.4 (MANE Select); coding-DNA position 337, C replaced by T.
Protein change: p.Pro113Ser; replaces proline 113 with serine.
Molecular consequence: missense variant.
Genome position (GRCh38, 1-based): chr1:147,613,166, C>T. VCF-style: chr1-147613166-C-T. GRCh37 (hg19) VCF-style: chr1-147084965-C-T.
Other names: short protein forms P113S.
Identifiers: ClinVar variation 3046009 (VCV003046009.2), dbSNP rs41295833, ClinGen allele CA1064294.